The following is an entry in ClinVar:

NM_032043.3(BRIP1):c.1774T>G (p.Trp592Gly)

Gene: BRIP1 (BRCA1 interacting DNA helicase 1; minus strand). Cytogenetic location: 17q23.2.
Variant type: single nucleotide variant.
Coding change: c.1774T>G on transcript NM_032043.3 (MANE Select); coding-DNA position 1774, T replaced by G.
Protein change: p.Trp592Gly; replaces tryptophan 592 with glycine.
Molecular consequence: missense variant.
Genome position (GRCh38, 1-based): chr17:61,780,860, A>C on the plus strand (T>G on the coding strand, the complement: BRIP1 is on the minus strand). VCF-style: chr17-61780860-A-C. GRCh37 (hg19) VCF-style: chr17-59858221-A-C.
Other names: p.W592G:TGG>GGG; short protein forms W592G.
Identifiers: ClinVar variation 128163 (VCV000128163.19), dbSNP rs587780231, ClinGen allele CA288535.
Genomic context (GRCh38, chr17:61,780,860, plus strand): 5'-GAGCAAGAAGACAAAATTTCCATTTACATGATGAGCTTACCACAGCTGGATTTAAGCACC[A>C]AAAGTTTAGCACATGAACTGCAGTTTTCTGTCGTGAACGTTTCTTATTTTTTGGTAGAAC-3'
Protein context (NP_114432.2, residues 582-602): QKTAVHVLNF[Trp592Gly]CLNPAVAFSD

ClinVar aggregate classification (germline): Uncertain significance. Review status: criteria provided, multiple submitters, no conflicts (2 of 4 stars). 5 submissions from 5 submitters: Uncertain significance (5). Last evaluated 2024-11-16.

Conditions:
Hereditary cancer-predisposing syndrome. Also called: Tumor predisposition; Hereditary Cancer Syndrome; Neoplastic Syndromes, Hereditary; Hereditary neoplastic syndrome. Identifiers: Orphanet 140162, MedGen C0027672, MeSH D009386, MONDO:0015356.
Familial cancer of breast. Also called: BREAST CANCER, FAMILIAL; Hereditary breast cancer; hereditary breast carcinoma. Identifiers: Orphanet 227535, MedGen C0346153, MONDO:0016419, OMIM 114480. Disease mechanism: loss of function.
Fanconi anemia complementation group J. Also called: BRIP1-Related Fanconi Anemia. Identifiers: Orphanet 84, MedGen C1836860, MONDO:0012187, OMIM 609054.

Allele frequency attached by ClinVar (database versions not stated): gnomAD exomes below 0.00001.
gnomAD v4.1: 2 of 1,614,244 alleles (0.00012%); highest among the groups gnomAD compares: Non-Finnish European, 0.00017%; no homozygotes.

Submissions (5):

Labcorp Genetics (formerly Invitae), Labcorp
Classification: Uncertain significance for Familial cancer of breast; Fanconi anemia complementation group J. Last evaluated: 2024-11-16. Review status: criteria provided, single submitter. Criteria: Invitae Variant Classification Sherloc (09022015). Collection method: clinical testing. Allele origin: germline.
Comment: This sequence change replaces tryptophan, which is neutral and slightly polar, with glycine, which is neutral and non-polar, at codon 592 of the BRIP1 protein (p.Trp592Gly). This variant is not present in population databases (gnomAD no frequency). This missense change has been observed in individual(s) with breast cancer (PMID: 28503720). ClinVar contains an entry for this variant (Variation ID: 128163). Invitae Evidence Modeling of protein sequence and biophysical properties (such as structural, functional, and spatial information, amino acid conservation, physicochemical variation, residue mobility, and thermodynamic stability) indicates that this missense variant is expected to disrupt BRIP1 protein function with a positive predictive value of 95%. In summary, the available evidence is currently insufficient to determine the role of this variant in disease. Therefore, it has been classified as a Variant of Uncertain Significance.

Ambry Genetics
Classification: Uncertain significance for Hereditary cancer-predisposing syndrome. Last evaluated: 2024-10-01. Review status: criteria provided, single submitter. Criteria: Ambry Variant Classification Scheme 2023. Collection method: clinical testing. Allele origin: germline.
Comment: The p.W592G variant (also known as c.1774T>G), located in coding exon 11 of the BRIP1 gene, results from a T to G substitution at nucleotide position 1774. The tryptophan at codon 592 is replaced by glycine, an amino acid with highly dissimilar properties. This amino acid position is highly conserved in available vertebrate species. In addition, this alteration is predicted to be deleterious by in silico analysis. Based on the available evidence, the clinical significance of this variant remains unclear.

GeneDx
Classification: Uncertain significance. Last evaluated: 2022-11-18. Review status: criteria provided, single submitter. Criteria: GeneDx Variant Classification Process June 2021. Collection method: clinical testing. Allele origin: germline. Affected: yes.
Comment: Not observed at significant frequency in large population cohorts (gnomAD); In silico analysis supports that this missense variant has a deleterious effect on protein structure/function; Observed in a patient with breast cancer (Rummel et al., 2017); This variant is associated with the following publications: (PMID: 28503720)

Color Diagnostics, LLC DBA Color Health
Classification: Uncertain significance for Hereditary cancer-predisposing syndrome. Last evaluated: 2019-05-08. Review status: criteria provided, single submitter. Criteria: ACMG Guidelines, 2015. Collection method: clinical testing. Allele origin: germline.

Illumina Laboratory Services, Illumina
Classification: Uncertain significance for Fanconi anemia complementation group J. Last evaluated: 2018-01-13. Review status: criteria provided, single submitter. Criteria: ICSL Variant Classification Criteria 13 December 2019. Collection method: clinical testing. Allele origin: germline.

Literature cited by the submitters: PubMed 28503720 (cited by Labcorp Genetics (formerly Invitae), Labcorp and Ambry Genetics).